The following is an entry in ClinVar:

NM_002235.5(KCNA6):c.1394A>G (p.Tyr465Cys)

Genes: KCNA6 (potassium voltage-gated channel subfamily A member 6; plus strand), KCNA6-AS1 (KCNA6 antisense RNA 1; minus strand). Cytogenetic location: 12p13.32.
Variant type: single nucleotide variant.
Coding change: c.1394A>G on transcript NM_002235.5 (MANE Select); coding-DNA position 1394, A replaced by G.
Protein change: p.Tyr465Cys; replaces tyrosine 465 with cysteine.
Molecular consequence: missense variant. On other transcripts: non-coding transcript variant (3).
Genome position (GRCh38, 1-based): chr12:4,811,435, A>G. VCF-style: chr12-4811435-A-G. GRCh37 (hg19) VCF-style: chr12-4920601-A-G.
Other names: short protein forms Y465C.
Identifiers: ClinVar variation 5009175 (VCV005009175.1).

ClinVar aggregate classification (germline): Uncertain significance (1 of 4 stars; one submission).

Submission:

GeneDx
Classification: Uncertain significance. Last evaluated: 2026-03-16. Review status: criteria provided, single submitter. Criteria: GeneDx Variant Classification Process June 2021. Collection method: clinical testing. Allele origin: germline.
Comment: Not observed at significant frequency in large population cohorts (gnomAD); In silico analysis supports that this missense variant has a deleterious effect on protein structure/function; Has not been previously published as pathogenic or benign to our knowledge